The following is an entry in ClinVar:

NM_001256071.3(RNF213):c.15591T>C (p.Ala5197=)

Genes: RNF213 (ring finger protein 213; plus strand), RNF213-AS1 (RNF213 antisense RNA 1; minus strand). Cytogenetic location: 17q25.3.
Variant type: single nucleotide variant.
Coding change: c.15591T>C on transcript NM_001256071.3 (MANE Select); coding-DNA position 15591, T replaced by C.
Protein change: p.Ala5197=; no amino-acid change (alanine 5197 retained).
Molecular consequence: synonymous variant.
Genome position (GRCh38, 1-based): chr17:80,393,465, T>C. VCF-style: chr17-80393465-T-C. GRCh37 (hg19) VCF-style: chr17-78367265-T-C.
Other names: c.15738T>C, p.Ala5246= (NM_001410195.1, NM_020914.5).
Identifiers: ClinVar variation 2648429 (VCV002648429.24), dbSNP rs1470560183, ClinGen allele CA502190048.

ClinVar aggregate classification (germline): Likely benign (1 of 4 stars; one submission).

Allele frequency attached by ClinVar (database versions not stated): TOPMed 0.00001; gnomAD 0.00002.
gnomAD v4.1: 11 of 1,614,124 alleles (0.00068%); highest among the groups gnomAD compares: Middle Eastern, 0.033%; no homozygotes.

Submission:

CeGaT Center for Human Genetics Tuebingen
Classification: Likely benign. Last evaluated: 2022-12-01. Review status: criteria provided, single submitter. Criteria: CeGaT Center For Human Genetics Tuebingen Variant Classification Criteria Version 2. Collection method: clinical testing. Allele origin: germline. Affected: yes. Observed: 1 variant allele.
Comment: RNF213: BP4, BP7